The following is an entry in ClinVar:

NM_001876.4(CPT1A):c.1328dup (p.Leu444fs)

Genes: CPT1A (carnitine palmitoyltransferase 1A; minus strand), LOC126861244 (BRD4-independent group 4 enhancer GRCh37_chr11:68549035-68550234; plus strand). Cytogenetic location: 11q13.3.
Variant type: Duplication.
Coding change: c.1328dup on transcript NM_001876.4 (MANE Select); coding-DNA position 1328, one base duplicated (T; older notation c.1328dupT).
Protein change: p.Leu444fs; shifts the reading frame from leucine 444.
Molecular consequence: frameshift variant.
Genome position (GRCh38, 1-based): chr11:68,781,795, A duplicated on the plus strand (T on the coding strand, the reverse complement: CPT1A is on the minus strand). VCF-style (leftmost placement, unchanged base first): chr11-68781794-T-TA. GRCh37 (hg19) VCF-style: chr11-68549262-T-TA.
Other names: c.1328dup, p.Leu444fs (NM_001031847.3); short protein forms L444fs.
Identifiers: ClinVar variation 1454023 (VCV001454023.7), dbSNP rs2153997913, ClinGen allele CA2573147550.

ClinVar aggregate classification (germline): Pathogenic/Likely pathogenic. Review status: criteria provided, multiple submitters, no conflicts (2 of 4 stars). 2 submissions from 2 submitters: Pathogenic (1); Likely pathogenic (1). Last evaluated 2023-03-22.

Conditions:
Carnitine palmitoyl transferase 1A deficiency. Also called: Carnitine palmitoyltransferase type I deficiency; CPT deficiency, hepatic, type IA; CPT I DEFICIENCY; CPT DEFICIENCY, HEPATIC, TYPE I; Carnitine palmitoyltransferase 1A deficiency. Identifiers: Orphanet 156, MedGen C1829703, MONDO:0009705, OMIM 255120.

Submissions (2):

Baylor Genetics
Classification: Likely pathogenic for Carnitine palmitoyl transferase 1A deficiency. Last evaluated: 2023-03-22. Review status: criteria provided, single submitter. Criteria: ACMG Guidelines, 2015. Collection method: clinical testing. Allele origin: unknown.

Labcorp Genetics (formerly Invitae), Labcorp
Classification: Pathogenic for Carnitine palmitoyl transferase 1A deficiency. Last evaluated: 2021-02-11. Review status: criteria provided, single submitter. Criteria: Invitae Variant Classification Sherloc (09022015). Collection method: clinical testing. Allele origin: germline.
Comment: For these reasons, this variant has been classified as Pathogenic. This variant has not been reported in the literature in individuals with CPT1A-related conditions. This variant is not present in population databases (ExAC no frequency). This sequence change creates a premature translational stop signal (p.Leu444Thrfs*11) in the CPT1A gene. It is expected to result in an absent or disrupted protein product. Loss-of-function variants in CPT1A are known to be pathogenic (PMID: 16169268).

Literature cited by the submitters: PubMed 16169268 (cited by Labcorp Genetics (formerly Invitae), Labcorp).